The following is an entry in ClinVar:

NM_000051.4(ATM):c.9010A>T (p.Lys3004Ter)

Genes: ATM (ATM serine/threonine kinase; plus strand), C11orf65 (chromosome 11 open reading frame 65; minus strand). Cytogenetic location: 11q22.3.
Variant type: single nucleotide variant.
Coding change: c.9010A>T on transcript NM_000051.4 (MANE Select); coding-DNA position 9010, A replaced by T.
Protein change: p.Lys3004Ter; replaces lysine 3004 with a stop codon.
Molecular consequence: nonsense. On other transcripts: intron variant (2).
Genome position (GRCh38, 1-based): chr11:108,365,347, A>T. VCF-style: chr11-108365347-A-T. GRCh37 (hg19) VCF-style: chr11-108236074-A-T.
Other names: p.Lys3004Ter; c.9010A>T, p.Lys3004Ter (NM_001351834.2); c.640+20573T>A (NM_001330368.2); c.694+20573T>A (NM_001351110.2); short protein forms K3004*.
Identifiers: ClinVar variation 2571591 (VCV002571591.2), dbSNP rs1555151737, ClinGen allele CA382530980.

ClinVar aggregate classification (germline): Pathogenic (1 of 4 stars; one submission).

Conditions:
Ataxia-telangiectasia syndrome (AT). Also called: LOUIS-BAR SYNDROME; Cerebello-oculocutaneous telangiectasia; Immunodeficiency with ataxia telangiectasia; Ataxia-telangiectasia, complementation group E; Ataxia-telangiectasia, complementation group D; AT, COMPLEMENTATION GROUP C. Identifiers: Orphanet 100, MedGen C0004135, MONDO:0008840, OMIM 208900.

Submission:

Foundation for Research in Genetics and Endocrinology, FRIGE's Institute of Human Genetics
Classification: Pathogenic for Ataxia-telangiectasia syndrome. Last evaluated: 2023-07-08. Review status: criteria provided, single submitter. Criteria: ACMG Guidelines, 2015. Collection method: clinical testing. Allele origin: germline. Inheritance: Autosomal recessive inheritance. Affected: yes. Observed: 1 heterozygote.
Comment: A heterozygous nonsense variant in exon 63 of the ATM gene that results in a stop codon and premature truncation of the protein at codon 3004 (p.Lys3004Ter) was detected. This variant has not been reported in the 1000 genomes, gnomAD (v3.1), gnomdAD (v2) and topmed databases. The reference codon is conserved across species. In summary, the variant meets our criteria to be classified as pathogenic.